The following is an entry in ClinVar:

NM_032043.3(BRIP1):c.1270_1271del (p.Ser424fs)

Gene: BRIP1 (BRCA1 interacting DNA helicase 1; minus strand). Cytogenetic location: 17q23.2.
Variant type: Deletion.
Coding change: c.1270_1271del on transcript NM_032043.3 (MANE Select); coding-DNA positions 1270 to 1271, 2 bases deleted (AG; older notation c.1270_1271delAG).
Protein change: p.Ser424fs; shifts the reading frame from serine 424.
Molecular consequence: frameshift variant.
Genome position (GRCh38, 1-based): chr17:61,799,169-61,799,170, CT deleted on the plus strand (AG on the coding strand, the reverse complement: BRIP1 is on the minus strand). VCF-style (leftmost placement, unchanged base first): chr17-61799168-ACT-A. GRCh37 (hg19) VCF-style: chr17-59876529-ACT-A.
Other names: short protein forms S424fs.
Identifiers: ClinVar variation 1415494 (VCV001415494.7), dbSNP rs2145303552, ClinGen allele CA2573154310.

ClinVar aggregate classification (germline): Pathogenic (1 of 4 stars; one submission).

Conditions:
Familial cancer of breast. Also called: hereditary breast carcinoma; BREAST CANCER, FAMILIAL; Hereditary breast cancer. Identifiers: Orphanet 227535, MedGen C0346153, MONDO:0016419, OMIM 114480. Disease mechanism: loss of function.
Fanconi anemia complementation group J. Also called: BRIP1-Related Fanconi Anemia. Identifiers: Orphanet 84, MedGen C1836860, MONDO:0012187, OMIM 609054.

Submission:

Labcorp Genetics (formerly Invitae), Labcorp
Classification: Pathogenic for Familial cancer of breast; Fanconi anemia complementation group J. Last evaluated: 2021-03-31. Review status: criteria provided, single submitter. Criteria: Invitae Variant Classification Sherloc (09022015). Collection method: clinical testing. Allele origin: germline.
Comment: For these reasons, this variant has been classified as Pathogenic. This variant has not been reported in the literature in individuals with BRIP1-related conditions. This variant is not present in population databases (ExAC no frequency). This sequence change creates a premature translational stop signal (p.Ser424Tyrfs*5) in the BRIP1 gene. It is expected to result in an absent or disrupted protein product. Loss-of-function variants in BRIP1 are known to be pathogenic (PMID: 16116423, 17033622, 21964575).

Literature cited by the submitters: PubMed 16116423; PubMed 17033622; PubMed 21964575.